The following is an entry in ClinVar:

ClinVar aggregate classification (germline): Uncertain significance (1 of 4 stars; one submission).

Conditions:
Cohen syndrome (COH1). Also called: PEPPER SYNDROME; Cutis verticis gyrata, retinitis pigmentosa, and sensorineural deafness. Identifiers: Orphanet 193, MedGen C0265223, MONDO:0008999, OMIM 216550.

Allele frequency attached by ClinVar (database versions not stated): gnomAD 0.00001; gnomAD exomes 0.00001; TOPMed 0.00002.
gnomAD v4.1: 14 of 1,613,526 alleles (0.00087%); highest among the groups gnomAD compares: Non-Finnish European, 0.0012%; no homozygotes.

Submission:

Labcorp Genetics (formerly Invitae), Labcorp
Classification: Uncertain significance for Cohen syndrome. Last evaluated: 2025-11-25. Review status: criteria provided, single submitter. Criteria: Invitae Variant Classification Sherloc (09022015). Collection method: clinical testing. Allele origin: germline.
Comment: This sequence change replaces glutamic acid, which is acidic and polar, with lysine, which is basic and polar, at codon 2623 of the VPS13B protein (p.Glu2623Lys). This variant is present in population databases (rs202238616, gnomAD 0.007%). This variant has not been reported in the literature in individuals affected with VPS13B-related conditions. ClinVar contains an entry for this variant (Variation ID: 567933). Invitae Evidence Modeling of protein sequence and biophysical properties (such as structural, functional, and spatial information, amino acid conservation, physicochemical variation, residue mobility, and thermodynamic stability) indicates that this missense variant is expected to disrupt VPS13B protein function with a positive predictive value of 80%. In summary, the available evidence is currently insufficient to determine the role of this variant in disease. Therefore, it has been classified as a Variant of Uncertain Significance.

NM_152564.5(VPS13B):c.7792G>A (p.Glu2598Lys)

Gene: VPS13B (vacuolar protein sorting 13 homolog B; plus strand). Cytogenetic location: 8q22.2.
Variant type: single nucleotide variant.
Coding change: c.7792G>A on transcript NM_152564.5 (MANE Select); coding-DNA position 7792, G replaced by A.
Protein change: p.Glu2598Lys; replaces glutamic acid 2598 with lysine.
Molecular consequence: missense variant.
Genome position (GRCh38, 1-based): chr8:99,784,327, G>A. VCF-style: chr8-99784327-G-A. GRCh37 (hg19) VCF-style: chr8-100796555-G-A.
Other names: c.7867G>A, p.Glu2623Lys (NM_017890.5); short protein forms E2623K, E2598K.
Identifiers: ClinVar variation 567933 (VCV000567933.4), dbSNP rs202238616, ClinGen allele CA182309140.
Genomic context (GRCh38, chr8:99,784,327, plus strand): 5'-TTACAATTAATCCGATCCATGTTGGCTTTCGTATCCTTTTTCTTTCAGAACAAATGCCCT[G>A]AGGTAGAGGAGTTGGTCTTCAGCCATTTTGTGATCTGTAATGACACACAGGAGACACTGC-3'
Protein context (NP_689777.3, residues 2588-2608): IQAWQQNKCP[Glu2598Lys]VEELVFSHFV